The following is an entry in ClinVar:

NM_183357.3(ADCY5):c.3457G>A (p.Asp1153Asn)

Gene: ADCY5 (adenylate cyclase 5; minus strand). Cytogenetic location: 3q21.1.
Variant type: single nucleotide variant.
Coding change: c.3457G>A on transcript NM_183357.3 (MANE Select); coding-DNA position 3457, G replaced by A.
Protein change: p.Asp1153Asn; replaces aspartic acid 1153 with asparagine.
Molecular consequence: missense variant.
Genome position (GRCh38, 1-based): chr3:123,289,825, C>T on the plus strand (G>A on the coding strand, the complement: ADCY5 is on the minus strand). VCF-style: chr3-123289825-C-T. GRCh37 (hg19) VCF-style: chr3-123008672-C-T.
Other names: c.2407G>A, p.Asp803Asn (NM_001199642.1); c.3532G>A, p.Asp1178Asn (NM_001378259.1); short protein forms D1153N, D1178N, D803N.
Identifiers: ClinVar variation 2069890 (VCV002069890.5), dbSNP rs761168623, ClinGen allele CA2576766.

ClinVar aggregate classification (germline): Uncertain significance. Review status: criteria provided, multiple submitters, no conflicts (2 of 4 stars). 2 submissions from 2 submitters: Uncertain significance (2). Last evaluated 2025-11-24.

Conditions:
Inborn genetic diseases. Identifiers: MedGen C0950123, MeSH D030342.

Allele frequency attached by ClinVar (database versions not stated): gnomAD exomes 0.00002; TOPMed 0.00006; ExAC 0.00008.
gnomAD v4.1: 26 of 1,614,234 alleles (0.0016%); highest among the groups gnomAD compares: Admixed American, 0.033%; no homozygotes.

Submissions (2):

Labcorp Genetics (formerly Invitae), Labcorp
Classification: Uncertain significance. Last evaluated: 2025-11-24. Review status: criteria provided, single submitter. Criteria: Invitae Variant Classification Sherloc (09022015). Collection method: clinical testing. Allele origin: germline.
Comment: This sequence change replaces aspartic acid, which is acidic and polar, with asparagine, which is neutral and polar, at codon 1153 of the ADCY5 protein (p.Asp1153Asn). This variant is present in population databases (rs761168623, gnomAD 0.05%), including at least one homozygous and/or hemizygous individual. This variant has not been reported in the literature in individuals affected with ADCY5-related conditions. ClinVar contains an entry for this variant (Variation ID: 2069890). Invitae Evidence Modeling of protein sequence and biophysical properties (such as structural, functional, and spatial information, amino acid conservation, physicochemical variation, residue mobility, and thermodynamic stability) has been performed for this missense variant. However, the output from this modeling did not meet the statistical confidence thresholds required to predict the impact of this variant on ADCY5 protein function. In summary, the available evidence is currently insufficient to determine the role of this variant in disease. Therefore, it has been classified as a Variant of Uncertain Significance.

Ambry Genetics
Classification: Uncertain significance for Inborn genetic diseases. Last evaluated: 2021-12-28. Review status: criteria provided, single submitter. Criteria: Ambry Variant Classification Scheme 2023. Collection method: clinical testing. Allele origin: germline.